The following is an entry in ClinVar:

Conditions:
Long QT syndrome 5 (LQT5). Identifiers: Orphanet 101016, Orphanet 768, MedGen C1867904, MONDO:0013372, OMIM 613695.

Submission:

Roden Lab, Vanderbilt University Medical Center
No classification provided (evidence only). Condition: Long QT syndrome 5. Review status: no classification provided. Collection method: in vitro. Allele origin: not applicable. Functional consequence: Effect on ion channel function.
ClinVar note: "not provided" was previously submitted as the classification for the variant. However, the classification appeared to be based only on an observation of functional data so it was converted to no classification on 2025-07-30.

NM_000219.6(KCNE1):c.81G>T (p.Met27Ile)

Gene: KCNE1 (potassium voltage-gated channel subfamily E regulatory subunit 1; minus strand). Cytogenetic location: 21q22.12.
Variant type: single nucleotide variant.
Coding change: c.81G>T on transcript NM_000219.6 (MANE Select); coding-DNA position 81, G replaced by T.
Protein change: p.Met27Ile; replaces methionine 27 with isoleucine.
Molecular consequence: missense variant.
Genome position (GRCh38, 1-based): chr21:34,449,554, C>A on the plus strand (G>T on the coding strand, the complement: KCNE1 is on the minus strand). VCF-style: chr21-34449554-C-A. GRCh37 (hg19) VCF-style: chr21-35821852-C-A.
Other names: c.81G>T, p.Met27Ile (NM_001127668.4, NM_001127669.4, NM_001127670.4 and 4 more transcripts); short protein forms M27I.
Identifiers: ClinVar variation 3373996 (VCV003373996.2).